The following is an entry in ClinVar:

ClinVar aggregate classification (germline): Conflicting classifications of pathogenicity. Review status: criteria provided, conflicting classifications (1 of 4 stars). 3 submissions from 3 submitters: Likely pathogenic (1); Uncertain significance (2). Last evaluated 2025-11-14.

Conditions:
Polycystic kidney disease, adult type (PKD1). Also called: Polycystic Kidney Disease 1, Autosomal Dominant; Polycystic kidney disease 1; Polycystic kidney disease 1, severe; Polycystic Kidney, Autosomal Dominant; POLYCYSTIC KIDNEY DISEASE 1 WITH OR WITHOUT POLYCYSTIC LIVER DISEASE; POLYCYSTIC KIDNEY DISEASE, ADULT, TYPE I. Identifiers: MedGen C3149841, MONDO:0008263, OMIM 173900.

Submissions (3):

Genetic Services Laboratory, University of Chicago
Classification: Uncertain significance. Last evaluated: 2025-11-14. Review status: criteria provided, single submitter. Criteria: ACMG Guidelines, 2015. Collection method: clinical testing. Allele origin: germline.
Comment: The c.4070T>C variant: Results in an amino acid change, p.Leu1357Pro. Does not appear to have been previously described in individuals with PKD1-related disorders. Has not been described in population databases such as gnomAD v4. Affects a highly conserved amino acid residue located in the PKD domain, which is known to be functional. Appears to be possibly damaging using several in-silico pathogenicity prediction tools ClinVar contains an entry for this variant (Variation ID: 1693044) Due to insufficient evidence and the lack of functional studies, the clinical significance of the p.Leu1357Pro variant remains unknown at this time.

Fulgent Genetics
Classification: Likely pathogenic for Polycystic kidney disease, adult type. Last evaluated: 2024-03-21. Review status: criteria provided, single submitter. Criteria: ACMG Guidelines, 2015. Collection method: clinical testing. Allele origin: germline.

GeneDx
Classification: Uncertain significance. Last evaluated: 2021-12-22. Review status: criteria provided, single submitter. Criteria: GeneDx Variant Classification Process June 2021. Collection method: clinical testing. Allele origin: germline. Affected: yes.
Comment: Not observed at significant frequency in large population cohorts (gnomAD); In silico analysis supports that this missense variant has a deleterious effect on protein structure/function; Has not been previously published as pathogenic or benign to our knowledge

NM_001009944.3(PKD1):c.4070T>C (p.Leu1357Pro)

Gene: PKD1 (polycystin 1, transient receptor potential channel interacting; minus strand). Cytogenetic location: 16p13.3.
Variant type: single nucleotide variant.
Coding change: c.4070T>C on transcript NM_001009944.3 (MANE Select); coding-DNA position 4070, T replaced by C.
Protein change: p.Leu1357Pro; replaces leucine 1357 with proline.
Molecular consequence: missense variant.
Genome position (GRCh38, 1-based): chr16:2,111,097, A>G on the plus strand (T>C on the coding strand, the complement: PKD1 is on the minus strand). VCF-style: chr16-2111097-A-G. GRCh37 (hg19) VCF-style: chr16-2161098-A-G.
Other names: c.4070T>C, p.Leu1357Pro (NM_000296.4); short protein forms L1357P.
Identifiers: ClinVar variation 1693044 (VCV001693044.4), dbSNP rs2151798827, ClinGen allele CA394381667.